The following is an entry in ClinVar:

NM_001005242.3(PKP2):c.788C>T (p.Thr263Met)

Gene: PKP2 (plakophilin 2; minus strand). Cytogenetic location: 12p11.21.
Variant type: single nucleotide variant.
Coding change: c.788C>T on transcript NM_001005242.3 (MANE Select); coding-DNA position 788, C replaced by T.
Protein change: p.Thr263Met; replaces threonine 263 with methionine.
Molecular consequence: missense variant.
Genome position (GRCh38, 1-based): chr12:32,878,092, G>A on the plus strand (C>T on the coding strand, the complement: PKP2 is on the minus strand). VCF-style: chr12-32878092-G-A. GRCh37 (hg19) VCF-style: chr12-33031026-G-A.
Other names: c.788C>T, p.Thr263Met (NM_004572.4); short protein forms T263M.
Identifiers: ClinVar variation 406541 (VCV000406541.16), dbSNP rs543758984, ClinGen allele CA038749.

ClinVar aggregate classification (germline): Uncertain significance. Review status: criteria provided, multiple submitters, no conflicts (2 of 4 stars). 5 submissions from 5 submitters: Uncertain significance (5). Last evaluated 2025-04-06.

Conditions:
Arrhythmogenic right ventricular cardiomyopathy (ARVD). Also called: Cardiomyopathy, ARVC; Arrhythmogenic right ventricular dysplasia; Arrhythmogenic cardiomyopathy; Arrhythmogenic Right Ventricular Cardiomyopathy (ARVC). Identifiers: Orphanet 247, MedGen C0349788, MeSH D019571, MONDO:0016587. Disease mechanism: loss of function. Inheritance: Various modes of inheritance.
Cardiomyopathy (CMYO). Also called: Cardiomyopathies. Identifiers: Orphanet 167848, MedGen C0878544, MONDO:0004994, HP:0001638. Inheritance: Various modes of inheritance.
Arrhythmogenic right ventricular dysplasia 9 (ARVD9). Also called: Arrhythmogenic Right Ventricular Dysplasia/Cardiomyopathy 9; ARRHYTHMOGENIC RIGHT VENTRICULAR DYSPLASIA, FAMILIAL, 9. Identifiers: MedGen C1836906, MONDO:0012180, OMIM 609040.

Allele frequency attached by ClinVar (database versions not stated): 1000 Genomes Project 0.00020; gnomAD 0.00001 and 0.00002; TOPMed 0.00002; gnomAD exomes 0.00003; ExAC 0.00004; 1000 Genomes Project 30x 0.00016.
gnomAD v4.1: 42 of 1,614,202 alleles (0.0026%); highest among the groups gnomAD compares: Non-Finnish European, 0.0031%; no homozygotes.

Submissions (5):

GeneDx
Classification: Uncertain significance. Last evaluated: 2025-04-06. Review status: criteria provided, single submitter. Criteria: GeneDx Variant Classification Process June 2021. Collection method: clinical testing. Allele origin: germline. Affected: yes.
Comment: In silico analysis indicates that this missense variant does not alter protein structure/function; Has been reported (as c.788C>T but discrepant p. nomenclature) in a patient with hypertrophic cardiomyopathy who also harbored a MYH6 variant; no additional patient specific details nor segregation information were specified in this report (PMID: 30847666); This variant is associated with the following publications: (PMID: 30847666)

Labcorp Genetics (formerly Invitae), Labcorp
Classification: Uncertain significance for Arrhythmogenic right ventricular dysplasia 9. Last evaluated: 2024-10-12. Review status: criteria provided, single submitter. Criteria: Invitae Variant Classification Sherloc (09022015). Collection method: clinical testing. Allele origin: germline.
Comment: This sequence change replaces threonine, which is neutral and polar, with methionine, which is neutral and non-polar, at codon 263 of the PKP2 protein (p.Thr263Met). This variant is present in population databases (rs543758984, gnomAD 0.007%). This variant has not been reported in the literature in individuals affected with PKP2-related conditions. ClinVar contains an entry for this variant (Variation ID: 406541). An algorithm developed to predict the effect of missense changes on protein structure and function (PolyPhen-2) suggests that this variant is likely to be tolerated. In summary, the available evidence is currently insufficient to determine the role of this variant in disease. Therefore, it has been classified as a Variant of Uncertain Significance.

All of Us Research Program, National Institutes of Health
Classification: Uncertain significance for Arrhythmogenic right ventricular cardiomyopathy. Last evaluated: 2024-06-09. Review status: criteria provided, single submitter. Criteria: ACMG Guidelines, 2015. Collection method: clinical testing. Allele origin: germline. Inheritance: Autosomal dominant inheritance. Observed: 5 variant alleles, 5 heterozygotes.
Comment: This missense variant replaces threonine with methionine at codon 263 of the PKP2 protein. Computational prediction suggests that this variant may not impact protein structure and function (internally defined REVEL score threshold <= 0.5, PMID: 27666373). To our knowledge, functional studies have not been reported for this variant. This variant has not been reported in individuals affected with cardiovascular disorders in the literature. This variant has been identified in 6/251154 chromosomes in the general population by the Genome Aggregation Database (gnomAD). The available evidence is insufficient to determine the role of this variant in disease conclusively. Therefore, this variant is classified as a Variant of Uncertain Significance.

This study involves interpretation of variants in research participants for the purpose of population health screening. Participant phenotype was not available at the time of variant classification. Additional details can be found in publication PMID: 35346344, PMCID: PMC8962531

Color Diagnostics, LLC DBA Color Health
Classification: Uncertain significance for Cardiomyopathy. Last evaluated: 2024-05-29. Review status: criteria provided, single submitter. Criteria: ACMG Guidelines, 2015. Collection method: clinical testing. Allele origin: germline.
Comment: This missense variant replaces threonine with methionine at codon 263 of the PKP2 protein. Computational prediction suggests that this variant may not impact protein structure and function (internally defined REVEL score threshold <= 0.5, PMID: 27666373). To our knowledge, functional studies have not been reported for this variant. This variant has not been reported in individuals affected with PKP2-related disorders in the literature. This variant has been identified in 6/251154 chromosomes in the general population by the Genome Aggregation Database (gnomAD). The available evidence is insufficient to determine the role of this variant in disease conclusively. Therefore, this variant is classified as a Variant of Uncertain Significance.

CHEO Genetics Diagnostic Laboratory, Children's Hospital of Eastern Ontario
Classification: Uncertain significance for Cardiomyopathy. Last evaluated: 2019-04-30. Review status: criteria provided, single submitter. Criteria: ACMG Guidelines, 2015. Collection method: clinical testing. Allele origin: germline.